The following is an entry in ClinVar:

NM_000843.4(GRM6):c.1075G>A (p.Glu359Lys)

Genes: GRM6 (glutamate metabotropic receptor 6; minus strand), ZNF454 (zinc finger protein 454; plus strand). Cytogenetic location: 5q35.3.
Variant type: single nucleotide variant.
Coding change: c.1075G>A on transcript NM_000843.4 (MANE Select); coding-DNA position 1075, G replaced by A.
Protein change: p.Glu359Lys; replaces glutamic acid 359 with lysine.
Molecular consequence: missense variant.
Genome position (GRCh38, 1-based): chr5:178,989,343, C>T on the plus strand (G>A on the coding strand, the complement: GRM6 is on the minus strand). VCF-style: chr5-178989343-C-T. GRCh37 (hg19) VCF-style: chr5-178416344-C-T.
Other names: short protein forms E359K.
Identifiers: ClinVar variation 2148694 (VCV002148694.5), dbSNP rs201281508, ClinGen allele CA3594239.

ClinVar aggregate classification (germline): Uncertain significance. Review status: criteria provided, multiple submitters, no conflicts (2 of 4 stars). 2 submissions from 2 submitters: Uncertain significance (2). Last evaluated 2023-04-14.

Allele frequency attached by ClinVar (database versions not stated): ExAC 0.00002; TOPMed 0.00002; gnomAD 0.00003.
gnomAD v4.1: 57 of 1,613,820 alleles (0.0035%); highest among the groups gnomAD compares: South Asian, 0.016%; no homozygotes.

Submissions (2):

Blueprint Genetics
Classification: Uncertain significance. Last evaluated: 2023-04-14. Review status: criteria provided, single submitter. Criteria: ACMG Guidelines, 2015. Collection method: clinical testing. Allele origin: germline.

Labcorp Genetics (formerly Invitae), Labcorp
Classification: Uncertain significance. Last evaluated: 2022-01-17. Review status: criteria provided, single submitter. Criteria: Invitae Variant Classification Sherloc (09022015). Collection method: clinical testing. Allele origin: germline.
Comment: This sequence change replaces glutamic acid, which is acidic and polar, with lysine, which is basic and polar, at codon 359 of the GRM6 protein (p.Glu359Lys). This variant is present in population databases (rs201281508, gnomAD 0.02%). In summary, the available evidence is currently insufficient to determine the role of this variant in disease. Therefore, it has been classified as a Variant of Uncertain Significance. Advanced modeling of protein sequence and biophysical properties (such as structural, functional, and spatial information, amino acid conservation, physicochemical variation, residue mobility, and thermodynamic stability) performed at Invitae indicates that this missense variant is expected to disrupt GRM6 protein function. This variant has not been reported in the literature in individuals affected with GRM6-related conditions.